The following is an entry in ClinVar:

NM_032620.4(GTPBP3):c.975-117C>T

Gene: GTPBP3 (GTP binding protein 3, mitochondrial; plus strand). Cytogenetic location: 19p13.11.
Variant type: single nucleotide variant.
Coding change: c.975-117C>T on transcript NM_032620.4 (MANE Select); 117 bases into the intron before coding-DNA position 975, C replaced by T.
Molecular consequence: intron variant.
Genome position (GRCh38, 1-based): chr19:17,340,927, C>T. VCF-style: chr19-17340927-C-T. GRCh37 (hg19) VCF-style: chr19-17451736-C-T.
Other names: c.1041-117C>T (NM_001195422.1); c.1071-117C>T (NM_133644.4); c.975-180C>T (NM_001128855.3).
Identifiers: ClinVar variation 676129 (VCV000676129.2), dbSNP rs75893526, ClinGen allele CA306064575.
Genomic context (GRCh38, chr19:17,340,927, plus strand): 5'-CTGTGCTCGGCTTGGGCCCCCAACATTCTGCCGGTCCCCTGGTACTCTACTCCTCCCTCC[C>T]GACCTCACGCTTCGCAGCTCCCCCAGTGCTCTGCCTGGCCCCTCTAACTGTCCCTCCACC-3'

ClinVar aggregate classification (germline): Benign. Review status: criteria provided, multiple submitters, no conflicts (2 of 4 stars). 2 submissions from 2 submitters: Benign (2). Last evaluated 2018-06-14.

Allele frequency attached by ClinVar (database versions not stated): 1000 Genomes Project 0.04972; 1000 Genomes Project 30x 0.05012; TOPMed 0.08421.
gnomAD v4.1: 112,666 of 1,181,898 alleles (9.5%); highest among the groups gnomAD compares: Non-Finnish European, 11%; 5,953 homozygotes.

Submissions (2):

GeneDx
Classification: Benign. Last evaluated: 2018-06-14. Review status: criteria provided, single submitter. Criteria: GeneDx Variant Classification (06012015). Collection method: clinical testing. Allele origin: germline. Affected: yes.
Comment: This variant is considered likely benign or benign based on one or more of the following criteria: it is a conservative change, it occurs at a poorly conserved position in the protein, it is predicted to be benign by multiple in silico algorithms, and/or has population frequency not consistent with disease.

Breakthrough Genomics
Classification: Benign. Review status: criteria provided, single submitter. Criteria: ACMG Guidelines, 2015. Collection method: not provided. Allele origin: germline. Inheritance: Autosomal recessive inheritance. Affected: yes.